The following is an entry in ClinVar:

ClinVar aggregate classification (germline): Uncertain significance. Review status: criteria provided, multiple submitters, no conflicts (2 of 4 stars). 2 submissions from 2 submitters: Uncertain significance (2). Last evaluated 2024-03-26.

Conditions:
Charcot-Marie-Tooth disease type 2. Also called: Charcot-Marie-Tooth type 2. Identifiers: Orphanet 64746, MedGen C0270914, MONDO:0018993.
Hereditary spastic paraplegia 17. Also called: SPASTIC PARAPLEGIA WITH AMYOTROPHY OF HANDS AND FEET; Silver spastic paraplegia syndrome; Spastic Paraplegia 17; Autosomal dominant spastic paraplegia type 17; Silver Syndrome. Identifiers: Orphanet 100998, MedGen C2931276, MONDO:0010043, OMIM 270685.
Neuronopathy, distal hereditary motor, type 5C. Also called: DHMN VC; NEURONOPATHY, DISTAL HEREDITARY MOTOR, HARDING TYPE VC; NEUROPATHY, DISTAL HEREDITARY MOTOR, HARDING TYPE VC; SPINAL MUSCULAR ATROPHY, DISTAL, HARDING TYPE VC; NEURONOPATHY, DISTAL HEREDITARY MOTOR, AUTOSOMAL DOMINANT 13. Identifiers: MedGen C5436838, MONDO:0030860, OMIM 619112.
Congenital generalized lipodystrophy type 2 (CGL2). Also called: BERARDINELLI SYNDROME; BRUNZELL SYNDROME, BSCL2-RELATED; SEIP SYNDROME; Berardinelli-Seip Congenital Lipodystrophy Type 2. Identifiers: Orphanet 528, Orphanet 696289, MedGen C1720863, MONDO:0010020, OMIM 269700.
Severe neurodegenerative syndrome with lipodystrophy. Also called: Encephalopathy, progressive, with or without lipodystrophy; ENCEPHALOPATHY, PROGRESSIVE, WITH LIPODYSTROPHY. Identifiers: Orphanet 363400, MedGen C4014700, MONDO:0014402, OMIM 615924.

Allele frequency attached by ClinVar (database versions not stated): TOPMed 0.00001; ExAC 0.00003.
gnomAD v4.1: 18 of 1,611,914 alleles (0.0011%); highest among the groups gnomAD compares: South Asian, 0.0099%; no homozygotes.

Submissions (2):

Fulgent Genetics
Classification: Uncertain significance for Congenital generalized lipodystrophy type 2; Hereditary spastic paraplegia 17; Severe neurodegenerative syndrome with lipodystrophy; Neuronopathy, distal hereditary motor, type 5C. Last evaluated: 2024-03-26. Review status: criteria provided, single submitter. Criteria: ACMG Guidelines, 2015. Collection method: clinical testing. Allele origin: germline.

Labcorp Genetics (formerly Invitae), Labcorp
Classification: Uncertain significance for Charcot-Marie-Tooth disease type 2. Last evaluated: 2024-01-25. Review status: criteria provided, single submitter. Criteria: Invitae Variant Classification Sherloc (09022015). Collection method: clinical testing. Allele origin: germline.
Comment: This sequence change replaces arginine, which is basic and polar, with cysteine, which is neutral and slightly polar, at codon 96 of the BSCL2 protein (p.Arg96Cys). This variant is present in population databases (rs772536764, gnomAD 0.01%). This variant has not been reported in the literature in individuals affected with BSCL2-related conditions. ClinVar contains an entry for this variant (Variation ID: 476811). Advanced modeling of protein sequence and biophysical properties (such as structural, functional, and spatial information, amino acid conservation, physicochemical variation, residue mobility, and thermodynamic stability) performed at Invitae indicates that this missense variant is expected to disrupt BSCL2 protein function with a positive predictive value of 80%. In summary, the available evidence is currently insufficient to determine the role of this variant in disease. Therefore, it has been classified as a Variant of Uncertain Significance.

NM_001122955.4(BSCL2):c.478C>T (p.Arg160Cys)

Genes: BSCL2 (BSCL2 lipid droplet biogenesis associated, seipin; minus strand), HNRNPUL2-BSCL2 (HNRNPUL2-BSCL2 readthrough (NMD candidate); minus strand). Cytogenetic location: 11q12.3.
Variant type: single nucleotide variant.
Coding change: c.478C>T on transcript NM_001122955.4 (MANE Select); coding-DNA position 478, C replaced by T.
Protein change: p.Arg160Cys; replaces arginine 160 with cysteine.
Molecular consequence: missense variant. On other transcripts: non-coding transcript variant (1).
Genome position (GRCh38, 1-based): chr11:62,702,476, G>A on the plus strand (C>T on the coding strand, the complement: BSCL2 is on the minus strand). VCF-style: chr11-62702476-G-A. GRCh37 (hg19) VCF-style: chr11-62469948-G-A.
Other names: c.286C>T, p.Arg96Cys (NM_001130702.2, NM_032667.6); c.478C>T, p.Arg160Cys (NM_001386027.1, NM_001386028.1); short protein forms R160C, R96C.
Identifiers: ClinVar variation 476811 (VCV000476811.9), dbSNP rs772536764, ClinGen allele CA6053565.